The following is an entry in ClinVar:

NM_001318895.3(FHL2):c.175C>T (p.Arg59Trp)

Genes: C2orf49 (chromosome 2 open reading frame 49; plus strand), FHL2 (four and a half LIM domains 2; minus strand). Cytogenetic location: 2q12.2.
Variant type: single nucleotide variant.
Coding change: c.175C>T on transcript NM_001318895.3 (MANE Select); coding-DNA position 175, C replaced by T.
Protein change: p.Arg59Trp; replaces arginine 59 with tryptophan.
Molecular consequence: missense variant. On other transcripts: 5 prime UTR variant (1), intron variant (2).
Genome position (GRCh38, 1-based): chr2:105,373,715, G>A on the plus strand (C>T on the coding strand, the complement: FHL2 is on the minus strand). VCF-style: chr2-105373715-G-A. GRCh37 (hg19) VCF-style: chr2-105990172-G-A.
Other names: c.175C>T (NM_201555.1); c.175C>T, p.Arg59Trp (NM_001039492.3, NM_001318894.1, NM_001318896.2 and 4 more transcripts); c.-150C>T (NM_001318899.2); c.-11-5976C>T (NM_001318897.2, NM_001318898.2); short protein forms R59W.
Identifiers: ClinVar variation 1035912 (VCV001035912.7), dbSNP rs753335287, ClinGen allele CA1814806.

ClinVar aggregate classification (germline): Uncertain significance. Review status: criteria provided, multiple submitters, no conflicts (2 of 4 stars). 2 submissions from 2 submitters: Uncertain significance (2). Last evaluated 2025-09-14.

Conditions:
Primary dilated cardiomyopathy (DCM). Also called: Dilated Cardiomyopathy. Identifiers: Orphanet 217604, MedGen C0007193, MeSH D002311, MONDO:0005021, HP:0001644. Inheritance: Various modes of inheritance.

Allele frequency attached by ClinVar (database versions not stated): ExAC 0.00002; gnomAD 0.00002; gnomAD exomes 0.00002.
gnomAD v4.1: 30 of 1,613,870 alleles (0.0019%); highest among the groups gnomAD compares: Admixed American, 0.005%; no homozygotes.

Submissions (2):

Labcorp Genetics (formerly Invitae), Labcorp
Classification: Uncertain significance for Primary dilated cardiomyopathy. Last evaluated: 2025-09-14. Review status: criteria provided, single submitter. Criteria: Invitae Variant Classification Sherloc (09022015). Collection method: clinical testing. Allele origin: germline.
Comment: This sequence change replaces arginine, which is basic and polar, with tryptophan, which is neutral and slightly polar, at codon 59 of the FHL2 protein (p.Arg59Trp). This variant is present in population databases (rs753335287, gnomAD 0.01%). This variant has not been reported in the literature in individuals affected with FHL2-related conditions. ClinVar contains an entry for this variant (Variation ID: 1035912). An algorithm developed to predict the effect of missense changes on protein structure and function (PolyPhen-2) suggests that this variant is likely to be disruptive. In summary, the available evidence is currently insufficient to determine the role of this variant in disease. Therefore, it has been classified as a Variant of Uncertain Significance.

Ambry Genetics
Classification: Uncertain significance. Last evaluated: 2022-04-25. Review status: criteria provided, single submitter. Criteria: Ambry Variant Classification Scheme 2023. Collection method: clinical testing. Allele origin: germline.